The following is an entry in ClinVar:

ClinVar aggregate classification (germline): Uncertain significance. Review status: criteria provided, multiple submitters, no conflicts (2 of 4 stars). 4 submissions from 4 submitters: Uncertain significance (3). 1 of the submissions does not count toward it. Last evaluated 2026-01-28.

Conditions:
Inborn genetic diseases. Identifiers: MedGen C0950123, MeSH D030342.
NOTCH2-related disorder. Also called: NOTCH2-related condition.
Hajdu-Cheney syndrome (HJCYS). Also called: SERPENTINE FIBULA-POLYCYSTIC KIDNEY SYNDROME; Acroosteolysis dominant type; ACROOSTEOLYSIS WITH OSTEOPOROSIS AND CHANGES IN SKULL AND MANDIBLE. Identifiers: Orphanet 955, MedGen C0917715, MONDO:0007057, OMIM 102500.

gnomAD v4.1: 3 of 1,614,130 alleles (0.00019%); highest among the groups gnomAD compares: Non-Finnish European, 0.00017%; no homozygotes.

Submissions (4):

Labcorp Genetics (formerly Invitae), Labcorp
Classification: Uncertain significance for Hajdu-Cheney syndrome. Last evaluated: 2026-01-28. Review status: criteria provided, single submitter. Criteria: Invitae Variant Classification Sherloc (09022015). Collection method: clinical testing. Allele origin: germline.
Comment: This sequence change replaces serine, which is neutral and polar, with phenylalanine, which is neutral and non-polar, at codon 2167 of the NOTCH2 protein (p.Ser2167Phe). This variant is not present in population databases (gnomAD no frequency). This variant has not been reported in the literature in individuals affected with NOTCH2-related conditions. ClinVar contains an entry for this variant (Variation ID: 3357665). Invitae Evidence Modeling of protein sequence and biophysical properties (such as structural, functional, and spatial information, amino acid conservation, physicochemical variation, residue mobility, and thermodynamic stability) indicates that this missense variant is not expected to disrupt NOTCH2 protein function with a negative predictive value of 80%. In summary, the available evidence is currently insufficient to determine the role of this variant in disease. Therefore, it has been classified as a Variant of Uncertain Significance.

Ambry Genetics
Classification: Uncertain significance for Inborn genetic diseases. Last evaluated: 2025-04-16. Review status: criteria provided, single submitter. Criteria: Ambry Variant Classification Scheme 2023. Collection method: clinical testing. Allele origin: germline.

GeneDx
Classification: Uncertain significance. Last evaluated: 2024-11-13. Review status: criteria provided, single submitter. Criteria: GeneDx Variant Classification Process June 2021. Collection method: clinical testing. Allele origin: germline. Affected: yes.
Comment: Not observed at significant frequency in large population cohorts (gnomAD); In silico analysis supports that this missense variant has a deleterious effect on protein structure/function; Has not been previously published as pathogenic or benign to our knowledge

PreventionGenetics, part of Exact Sciences
Classification: Uncertain significance for NOTCH2-related condition. Last evaluated: 2024-04-16. Review status: no assertion criteria provided. Collection method: clinical testing. Allele origin: germline. Not counted in ClinVar's aggregate classification.
Comment: The NOTCH2 c.6500C>T variant is predicted to result in the amino acid substitution p.Ser2167Phe. To our knowledge, this variant has not been reported in the literature or in a large population database, indicating this variant is rare. At this time, the clinical significance of this variant is uncertain due to the absence of conclusive functional and genetic evidence.

NM_024408.4(NOTCH2):c.6500C>T (p.Ser2167Phe)

Gene: NOTCH2 (notch receptor 2; minus strand). Cytogenetic location: 1p12.
Variant type: single nucleotide variant.
Coding change: c.6500C>T on transcript NM_024408.4 (MANE Select); coding-DNA position 6500, C replaced by T.
Protein change: p.Ser2167Phe; replaces serine 2167 with phenylalanine.
Molecular consequence: missense variant.
Genome position (GRCh38, 1-based): chr1:119,916,222, G>A on the plus strand (C>T on the coding strand, the complement: NOTCH2 is on the minus strand). VCF-style: chr1-119916222-G-A. GRCh37 (hg19) VCF-style: chr1-120458845-G-A.
Other names: short protein forms S2167F.
Identifiers: ClinVar variation 3357665 (VCV003357665.4).